The following is an entry in ClinVar:

ClinVar aggregate classification (germline): Uncertain significance (1 of 4 stars; one submission).

Conditions:
Immunodeficiency 35 (IMD35). Also called: TYK2 DEFICIENCY; HIES WITH ATYPICAL MYCOBACTERIOSIS, AUTOSOMAL RECESSIVE; HYPER-IgE SYNDROME WITH ATYPICAL MYCOBACTERIOSIS, AUTOSOMAL RECESSIVE; Susceptibility to infection due to TYK2 deficiency. Identifiers: Orphanet 331226, MedGen C1969086, MONDO:0012682, OMIM 611521.

Submission:

Labcorp Genetics (formerly Invitae), Labcorp
Classification: Uncertain significance for Immunodeficiency 35. Last evaluated: 2022-04-26. Review status: criteria provided, single submitter. Criteria: Invitae Variant Classification Sherloc (09022015). Collection method: clinical testing. Allele origin: germline.
Comment: This sequence change falls in intron 8 of the TYK2 gene. It does not directly change the encoded amino acid sequence of the TYK2 protein. This variant is not present in population databases (gnomAD no frequency). This variant has not been reported in the literature in individuals affected with TYK2-related conditions. Algorithms developed to predict the effect of sequence changes on RNA splicing suggest that this variant may create or strengthen a splice site. In summary, the available evidence is currently insufficient to determine the role of this variant in disease. Therefore, it has been classified as a Variant of Uncertain Significance.

NM_003331.5(TYK2):c.1209+18G>A

Gene: TYK2 (tyrosine kinase 2; minus strand). Cytogenetic location: 19p13.2.
Variant type: single nucleotide variant.
Coding change: c.1209+18G>A on transcript NM_003331.5 (MANE Select); 18 bases into the intron after coding-DNA position 1209, G replaced by A.
Molecular consequence: intron variant.
Genome position (GRCh38, 1-based): chr19:10,364,833, C>T on the plus strand (G>A on the coding strand, the complement: TYK2 is on the minus strand). VCF-style: chr19-10364833-C-T. GRCh37 (hg19) VCF-style: chr19-10475509-C-T.
Other names: c.1209+18G>A (NM_001385199.1, NM_001385206.1, NM_001385207.1 and 6 more transcripts); c.1119+18G>A (NM_001385205.1); c.1012-62G>A (NM_001385201.1).
Identifiers: ClinVar variation 2130831 (VCV002130831.4), dbSNP rs773849968, ClinGen allele CA2580096192.